The following is an entry in ClinVar:

NM_001854.4(COL11A1):c.897+3A>T

Gene: COL11A1 (collagen type XI alpha 1 chain; minus strand). Cytogenetic location: 1p21.1.
Variant type: single nucleotide variant.
Coding change: c.897+3A>T on transcript NM_001854.4 (MANE Select); 3 bases into the intron after coding-DNA position 897, A replaced by T.
Molecular consequence: intron variant.
Genome position (GRCh38, 1-based): chr1:103,026,213, T>A on the plus strand (A>T on the coding strand, the complement: COL11A1 is on the minus strand). VCF-style: chr1-103026213-T-A. GRCh37 (hg19) VCF-style: chr1-103491769-T-A.
Other names: c.781-600A>T (NM_001190709.2); c.781-261A>T (NM_080629.3); c.897+3A>T (NM_080630.4).
Identifiers: ClinVar variation 2705798 (VCV002705798.4), dbSNP rs2525619015, ClinGen allele CA2646809903.

ClinVar aggregate classification (germline): Uncertain significance. Review status: criteria provided, multiple submitters, no conflicts (2 of 4 stars). 2 submissions from 2 submitters: Uncertain significance (2). Last evaluated 2023-12-27.

Allele frequency attached by ClinVar (database versions not stated): gnomAD exomes below 0.00001.
gnomAD v4.1: 1 of 1,603,128 alleles (0.000062%); highest among the groups gnomAD compares: Non-Finnish European, 0.000085%; no homozygotes.

Submissions (2):

Labcorp Genetics (formerly Invitae), Labcorp
Classification: Uncertain significance. Last evaluated: 2023-12-27. Review status: criteria provided, single submitter. Criteria: Invitae Variant Classification Sherloc (09022015). Collection method: clinical testing. Allele origin: germline.
Comment: This sequence change falls in intron 6 of the COL11A1 gene. It does not directly change the encoded amino acid sequence of the COL11A1 protein. It affects a nucleotide within the consensus splice site. This variant is not present in population databases (gnomAD no frequency). This variant has not been reported in the literature in individuals affected with COL11A1-related conditions. Variants that disrupt the consensus splice site are a relatively common cause of aberrant splicing (PMID: 17576681, 9536098). Algorithms developed to predict the effect of sequence changes on RNA splicing suggest that this variant may disrupt the consensus splice site. In summary, the available evidence is currently insufficient to determine the role of this variant in disease. Therefore, it has been classified as a Variant of Uncertain Significance.

Blueprint Genetics
Classification: Uncertain significance. Last evaluated: 2019-09-12. Review status: criteria provided, single submitter. Criteria: ACMG Guidelines, 2015. Collection method: clinical testing. Allele origin: germline.

Literature cited by the submitters: PubMed 17576681 (cited by Labcorp Genetics (formerly Invitae), Labcorp); PubMed 9536098 (cited by Labcorp Genetics (formerly Invitae), Labcorp).